The following is an entry in ClinVar:

ClinVar aggregate classification (germline): Uncertain significance (1 of 4 stars; one submission).

Submission:

Women's Health and Genetics/Laboratory Corporation of America, LabCorp
Classification: Uncertain significance. Last evaluated: 2026-06-10. Review status: criteria provided, single submitter. Criteria: LabCorp Variant Classification Summary - May 2015. Collection method: clinical testing. Allele origin: germline.
Comment: Variant summary: HOMER2 c.191A>C (p.Asn64Thr) results in a non-conservative amino acid change in the encoded protein sequence. Algorithms developed to predict the effect of missense changes on protein structure and function all suggest that this variant is likely to be disruptive. The variant was absent in 249326 control chromosomes. The available data on variant occurrences in the general population are insufficient to allow any conclusion about variant significance. To our knowledge, no occurrence of c.191A>C in individuals affected with HOMER2-related conditions and no experimental evidence demonstrating its impact on protein function have been reported. No submitters have cited clinical-significance assessments for this variant to ClinVar. Based on the evidence outlined above, the variant was classified as uncertain significance.

NM_004839.4(HOMER2):c.191A>C (p.Asn64Thr)

Gene: HOMER2 (homer scaffold protein 2; minus strand). Cytogenetic location: 15q25.2.
Variant type: single nucleotide variant.
Coding change: c.191A>C on transcript NM_004839.4 (MANE Select); coding-DNA position 191, A replaced by C.
Protein change: p.Asn64Thr; replaces asparagine 64 with threonine.
Molecular consequence: missense variant.
Genome position (GRCh38, 1-based): chr15:82,875,376, T>G on the plus strand (A>C on the coding strand, the complement: HOMER2 is on the minus strand). VCF-style: chr15-82875376-T-G. GRCh37 (hg19) VCF-style: chr15-83544128-T-G.
Other names: c.191A>C, p.Asn64Thr (NM_199330.3); short protein forms N64T.
Identifiers: ClinVar variation 4887353 (VCV004887353.1).